The following is an entry in ClinVar:

ClinVar aggregate classification (germline): Uncertain significance (1 of 4 stars; one submission).

Conditions:
ABCB4-related disorder. Also called: ABCB4-related disorders; ABCB4-related condition.

Submission:

PreventionGenetics, part of Exact Sciences
Classification: Uncertain significance for ABCB4-related condition. Last evaluated: 2026-07-30. Review status: criteria provided, single submitter. Criteria: ACMG Guidelines, 2015. Collection method: clinical testing. Allele origin: germline.
Comment: The ABCB4 c.1457T>C variant is predicted to result in the amino acid substitution p.Ile486Thr. To our knowledge, this variant has not been reported in the literature or in a large population database (gnomAD), indicating this variant is rare. At this time, the clinical significance of this variant is uncertain due to the absence of conclusive functional and genetic evidence.

NM_000443.4(ABCB4):c.1457T>C (p.Ile486Thr)

Gene: ABCB4 (ATP binding cassette subfamily B member 4; minus strand). Cytogenetic location: 7q21.12.
Variant type: single nucleotide variant.
Coding change: c.1457T>C on transcript NM_000443.4 (MANE Select); coding-DNA position 1457, T replaced by C.
Protein change: p.Ile486Thr; replaces isoleucine 486 with threonine.
Molecular consequence: missense variant.
Genome position (GRCh38, 1-based): chr7:87,440,302, A>G on the plus strand (T>C on the coding strand, the complement: ABCB4 is on the minus strand). VCF-style: chr7-87440302-A-G. GRCh37 (hg19) VCF-style: chr7-87069618-A-G.
Other names: c.1457T>C, p.Ile486Thr (NM_018849.3, NM_018850.3); short protein forms I486T.
Identifiers: ClinVar variation 4993679 (VCV004993679.1).